The following is an entry in ClinVar:

ClinVar aggregate classification (germline): Uncertain significance (1 of 4 stars; one submission).

Conditions:
Wilms tumor 1 (WT1). Also called: Wilms tumor, somatic. Identifiers: Orphanet 654, MedGen CN033288, MONDO:0008679, OMIM 194070.

Submission:

Labcorp Genetics (formerly Invitae), Labcorp
Classification: Uncertain significance for Wilms tumor 1. Last evaluated: 2021-04-08. Review status: criteria provided, single submitter. Criteria: Invitae Variant Classification Sherloc (09022015). Collection method: clinical testing. Allele origin: germline.
Comment: This variant is not present in population databases (ExAC no frequency). In summary, the available evidence is currently insufficient to determine the role of this variant in disease. Therefore, it has been classified as a Variant of Uncertain Significance. Algorithms developed to predict the effect of missense changes on protein structure and function (SIFT, PolyPhen-2, Align-GVGD) all suggest that this variant is likely to be tolerated, but these predictions have not been confirmed by published functional studies and their clinical significance is uncertain. This variant has not been reported in the literature in individuals with GPC3-related conditions. This sequence change replaces alanine with threonine at codon 350 of the GPC3 protein (p.Ala350Thr). The alanine residue is weakly conserved and there is a small physicochemical difference between alanine and threonine.

NM_004484.4(GPC3):c.1048G>A (p.Ala350Thr)

Gene: GPC3 (glypican 3; minus strand). Cytogenetic location: Xq26.2.
Variant type: single nucleotide variant.
Coding change: c.1048G>A on transcript NM_004484.4 (MANE Select); coding-DNA position 1048, G replaced by A.
Protein change: p.Ala350Thr; replaces alanine 350 with threonine.
Molecular consequence: missense variant.
Genome position (GRCh38, 1-based): chrX:133,700,013, C>T on the plus strand (G>A on the coding strand, the complement: GPC3 is on the minus strand). VCF-style: chrX-133700013-C-T. GRCh37 (hg19) VCF-style: chrX-132834041-C-T.
Other names: c.1117G>A, p.Ala373Thr (NM_001164617.2); c.1000G>A, p.Ala334Thr (NM_001164618.2); c.886G>A, p.Ala296Thr (NM_001164619.2); short protein forms A350T, A334T, A296T, A373T.
Identifiers: ClinVar variation 1524339 (VCV001524339.8), dbSNP rs2124437635, ClinGen allele CA414700173.